The following is an entry in ClinVar:

ClinVar aggregate classification (germline): Uncertain significance (1 of 4 stars; one submission).

Submission:

GeneDx
Classification: Uncertain significance. Last evaluated: 2026-03-27. Review status: criteria provided, single submitter. Criteria: GeneDx Variant Classification Process June 2021. Collection method: clinical testing. Allele origin: germline.
Comment: Not observed at significant frequency in large population cohorts (gnomAD); Frameshift variant predicted to result in protein truncation or nonsense mediated decay in a gene or region of a gene for which loss of function is not a well-established mechanism of disease; Has not been previously published as pathogenic or benign to our knowledge

NM_003587.5(DHX16):c.2898_2899del (p.Gln966fs)

Gene: DHX16 (DEAH-box helicase 16; minus strand). Cytogenetic location: 6p21.33.
Variant type: Deletion.
Coding change: c.2898_2899del on transcript NM_003587.5 (MANE Select); coding-DNA positions 2898 to 2899, 2 bases deleted (GA; older notation c.2898_2899delGA).
Protein change: p.Gln966fs; shifts the reading frame from glutamine 966.
Molecular consequence: frameshift variant.
Genome position (GRCh38, 1-based): chr6:30,654,804-30,654,805, TC deleted on the plus strand (GA on the coding strand, the reverse complement: DHX16 is on the minus strand); deleting any 2 consecutive bases within chr6:30,654,804-30,654,806 gives the same sequence; the c. name uses the placement nearest the transcript's 3' end. VCF-style (leftmost placement, unchanged base first): chr6-30654803-GTC-G. GRCh37 (hg19) VCF-style: chr6-30622580-GTC-G.
Other names: c.2718_2719del, p.Gln906fs (NM_001164239.2); c.1455_1456del, p.Gln485fs (NM_001363515.2); short protein forms Q485fs, Q906fs, Q966fs.
Identifiers: ClinVar variation 5017255 (VCV005017255.1).